The following is an entry in ClinVar:

NM_001382391.1(CSPP1):c.1454G>T (p.Arg485Leu)

Gene: CSPP1 (centrosome and spindle pole associated protein 1; plus strand). Cytogenetic location: 8q13.2.
Variant type: single nucleotide variant.
Coding change: c.1454G>T on transcript NM_001382391.1 (MANE Select); coding-DNA position 1454, G replaced by T.
Protein change: p.Arg485Leu; replaces arginine 485 with leucine.
Molecular consequence: missense variant.
Genome position (GRCh38, 1-based): chr8:67,116,080, G>T. VCF-style: chr8-67116080-G-T. GRCh37 (hg19) VCF-style: chr8-68028315-G-T.
Other names: c.557G>T, p.Arg186Leu (NM_001291339.2); c.1373G>T, p.Arg458Leu (NM_001363131.2); c.1412G>T, p.Arg471Leu (NM_001363132.2); c.1331G>T, p.Arg444Leu (NM_001363133.2); c.1520G>T, p.Arg507Leu (NM_001364869.1); c.1340G>T, p.Arg447Leu (NM_001364870.1); c.1439G>T, p.Arg480Leu (NM_024790.7); short protein forms R186L, R444L, R447L, R458L, R480L, R507L, R471L, R485L.
Identifiers: ClinVar variation 1416778 (VCV001416778.6), dbSNP rs767353646, ClinGen allele CA371199178.
Genomic context (GRCh38, chr8:67,116,080, plus strand): 5'-CCCCATCTGTCCCACCCATCCCATCAGTTCATCCTGTTCCTTCTCAAAATGAAGATTTGC[G>T]CAGTGGACTCAGCAGCGCCCTTGGTGAAATGGTGTCTCCCAGGTGCTTGTTTAAATGTTT-3'
Protein context (NP_001369320.1, residues 475-495): HPVPSQNEDL[Arg485Leu]SGLSSALGEM

ClinVar aggregate classification (germline): Uncertain significance (1 of 4 stars; one submission).

Conditions:
Joubert syndrome 21 (JBTS21). Identifiers: MedGen C3810212, MONDO:0014288, OMIM 615636.

Allele frequency attached by ClinVar (database versions not stated): TOPMed below 0.00001.
gnomAD v4.1: 2 of 1,614,046 alleles (0.00012%); highest among the groups gnomAD compares: African/African-American, 0.0013%; no homozygotes.

Submission:

Labcorp Genetics (formerly Invitae), Labcorp
Classification: Uncertain significance for Joubert syndrome 21. Last evaluated: 2022-11-22. Review status: criteria provided, single submitter. Criteria: Invitae Variant Classification Sherloc (09022015). Collection method: clinical testing. Allele origin: germline.
Comment: In summary, the available evidence is currently insufficient to determine the role of this variant in disease. Therefore, it has been classified as a Variant of Uncertain Significance. Algorithms developed to predict the effect of missense changes on protein structure and function output the following: SIFT: "Tolerated"; PolyPhen-2: "Benign"; Align-GVGD: "Class C0". The leucine amino acid residue is found in multiple mammalian species, which suggests that this missense change does not adversely affect protein function. ClinVar contains an entry for this variant (Variation ID: 1416778). This variant has not been reported in the literature in individuals affected with CSPP1-related conditions. This variant is not present in population databases (gnomAD no frequency). This sequence change replaces arginine, which is basic and polar, with leucine, which is neutral and non-polar, at codon 480 of the CSPP1 protein (p.Arg480Leu).